The following is an entry in ClinVar:

ClinVar aggregate classification (germline): Likely benign (1 of 4 stars; one submission).

Allele frequency attached by ClinVar (database versions not stated): gnomAD exomes below 0.00001; TOPMed below 0.00001; gnomAD 0.00001.
gnomAD v4.1: 2 of 1,614,096 alleles (0.00012%); highest among the groups gnomAD compares: Non-Finnish European, 0.00017%; no homozygotes.

Submission:

GeneDx
Classification: Likely benign. Last evaluated: 2018-03-22. Review status: criteria provided, single submitter. Criteria: GeneDx Variant Classification (06012015). Collection method: clinical testing. Allele origin: germline. Affected: yes.
Comment: This variant is considered likely benign or benign based on one or more of the following criteria: it is a conservative change, it occurs at a poorly conserved position in the protein, it is predicted to be benign by multiple in silico algorithms, and/or has population frequency not consistent with disease.

NM_001130438.3(SPTAN1):c.6420C>T (p.Ala2140=)

Gene: SPTAN1 (spectrin alpha, non-erythrocytic 1; plus strand). Cytogenetic location: 9q34.11.
Variant type: single nucleotide variant.
Coding change: c.6420C>T on transcript NM_001130438.3 (MANE Select); coding-DNA position 6420, C replaced by T.
Protein change: p.Ala2140=; no amino-acid change (alanine 2140 retained).
Molecular consequence: synonymous variant.
Genome position (GRCh38, 1-based): chr9:128,626,531, C>T. VCF-style: chr9-128626531-C-T. GRCh37 (hg19) VCF-style: chr9-131388810-C-T.
Other names: c.6345C>T, p.Ala2115= (NM_001195532.2); c.6420C>T, p.Ala2140= (NM_001363759.2); c.6360C>T, p.Ala2120= (NM_001363765.2); c.6405C>T, p.Ala2135= (NM_003127.4).
Identifiers: ClinVar variation 681082 (VCV000681082.1), dbSNP rs1442533335, ClinGen allele CA467485120.